The following is an entry in ClinVar:

ClinVar aggregate classification (germline): Uncertain significance (1 of 4 stars; one submission).

Submission:

GeneDx
Classification: Uncertain significance. Last evaluated: 2026-07-17. Review status: criteria provided, single submitter. Criteria: GeneDx Variant Classification Process June 2021. Collection method: clinical testing. Allele origin: germline.
Comment: Not observed at significant frequency in large population cohorts (gnomAD); In-frame duplication of 1 amino acid(s) in a non-repeat region; Has not been previously published as pathogenic or benign to our knowledge

NM_024408.4(NOTCH2):c.4066_4068dup (p.Gln1356_Cys1357insGln)

Gene: NOTCH2 (notch receptor 2; minus strand). Cytogenetic location: 1p12.
Variant type: Duplication.
Coding change: c.4066_4068dup on transcript NM_024408.4 (MANE Select); coding-DNA positions 4066 to 4068, 3 bases duplicated (CAG; older notation c.4066_4068dupCAG).
Protein change: p.Gln1356_Cys1357insGln.
Genome position (GRCh38, 1-based): chr1:119,925,748-119,925,750, CTG duplicated on the plus strand (CAG on the coding strand, the reverse complement: NOTCH2 is on the minus strand); duplicating any 3 consecutive bases within chr1:119,925,748-119,925,752 gives the same sequence; the c. name uses the placement nearest the transcript's 3' end. VCF-style (leftmost placement, unchanged base first): chr1-119925747-A-ACTG. GRCh37 (hg19) VCF-style: chr1-120468370-A-ACTG.
Identifiers: ClinVar variation 3361881 (VCV003361881.2).